The following is an entry in ClinVar:

NM_004387.4(NKX2-5):c.286G>A (p.Ala96Thr)

Gene: NKX2-5 (NK2 homeobox 5; minus strand). Cytogenetic location: 5q35.1.
Variant type: single nucleotide variant.
Coding change: c.286G>A on transcript NM_004387.4 (MANE Select); coding-DNA position 286, G replaced by A.
Protein change: p.Ala96Thr; replaces alanine 96 with threonine.
Molecular consequence: missense variant.
Genome position (GRCh38, 1-based): chr5:173,234,798, C>T on the plus strand (G>A on the coding strand, the complement: NKX2-5 is on the minus strand). VCF-style: chr5-173234798-C-T. GRCh37 (hg19) VCF-style: chr5-172661801-C-T.
Other names: c.286G>A, p.Ala96Thr (NM_001166175.2, NM_001166176.2); short protein forms A96T.
Identifiers: ClinVar variation 1797043 (VCV001797043.3), dbSNP rs2480079367, ClinGen allele CA362163323.
Genomic context (GRCh38, chr5:173,234,798, plus strand): 5'-TTTCCTCCTCACCTTTCTTTTCGGCTCTAGGGTCCTTGGCTGGGTCGGGGTCGCTGTAGG[C>T]ACGTGGATAGAAGGCGGGGGCGGCGGGAAAGGCAGACGCACACTTGGCCGGTGAAGGCGC-3'
Protein context (NP_004378.1, residues 86-106): FPAAPAFYPR[Ala96Thr]YSDPDPAKDP

ClinVar aggregate classification (germline): Uncertain significance (1 of 4 stars; one submission).

Conditions:
Cardiovascular phenotype. Identifiers: MedGen CN230736.

Submission:

Ambry Genetics
Classification: Uncertain significance for Cardiovascular phenotype. Last evaluated: 2025-10-29. Review status: criteria provided, single submitter. Criteria: Ambry Variant Classification Scheme 2023. Collection method: clinical testing. Allele origin: germline.
Comment: The p.A96T variant (also known as c.286G>A), located in coding exon 1 of the NKX2-5 gene, results from a G to A substitution at nucleotide position 286. The alanine at codon 96 is replaced by threonine, an amino acid with similar properties. This amino acid position is conserved. In addition, this alteration is predicted to be tolerated by in silico analysis. Since supporting evidence is limited at this time, the clinical significance of this alteration remains unclear.